The following is an entry in ClinVar:

ClinVar aggregate classification (germline): Uncertain significance (1 of 4 stars; one submission).

Allele frequency attached by ClinVar (database versions not stated): TOPMed 0.00002; gnomAD 0.00001; gnomAD exomes 0.00001.
gnomAD v4.1: 4 of 1,384,228 alleles (0.00029%); highest among the groups gnomAD compares: Admixed American, 0.0039%; no homozygotes.

Submission:

Labcorp Genetics (formerly Invitae), Labcorp
Classification: Uncertain significance. Last evaluated: 2022-10-27. Review status: criteria provided, single submitter. Criteria: Invitae Variant Classification Sherloc (09022015). Collection method: clinical testing. Allele origin: germline.
Comment: In summary, the available evidence is currently insufficient to determine the role of this variant in disease. Therefore, it has been classified as a Variant of Uncertain Significance. Algorithms developed to predict the effect of missense changes on protein structure and function are either unavailable or do not agree on the potential impact of this missense change (SIFT: "Tolerated"; PolyPhen-2: "Possibly Damaging"; Align-GVGD: "Class C0"). This variant has not been reported in the literature in individuals affected with KDM1A-related conditions. This variant is not present in population databases (gnomAD no frequency). This sequence change replaces proline, which is neutral and non-polar, with serine, which is neutral and polar, at codon 66 of the KDM1A protein (p.Pro66Ser).

NM_001009999.3(KDM1A):c.196C>T (p.Pro66Ser)

Gene: KDM1A (lysine demethylase 1A; plus strand). Cytogenetic location: 1p36.12.
Variant type: single nucleotide variant.
Coding change: c.196C>T on transcript NM_001009999.3 (MANE Select); coding-DNA position 196, C replaced by T.
Protein change: p.Pro66Ser; replaces proline 66 with serine.
Molecular consequence: missense variant.
Genome position (GRCh38, 1-based): chr1:23,019,792, C>T. VCF-style: chr1-23019792-C-T. GRCh37 (hg19) VCF-style: chr1-23346285-C-T.
Other names: c.196C>T, p.Pro66Ser (NM_001363654.2, NM_001410762.1, NM_001410763.1 and 1 more transcripts); short protein forms P66S.
Identifiers: ClinVar variation 2867249 (VCV002867249.3), dbSNP rs1279752679, ClinGen allele CA338951500.